The following is an entry in ClinVar:

NM_006767.4(LZTR1):c.277A>T (p.Asn93Tyr)

Gene: LZTR1 (leucine zipper like post translational regulator 1; plus strand). Cytogenetic location: 22q11.21.
Variant type: single nucleotide variant.
Coding change: c.277A>T on transcript NM_006767.4 (MANE Select); coding-DNA position 277, A replaced by T.
Protein change: p.Asn93Tyr; replaces asparagine 93 with tyrosine.
Molecular consequence: missense variant.
Genome position (GRCh38, 1-based): chr22:20,985,854, A>T. VCF-style: chr22-20985854-A-T. GRCh37 (hg19) VCF-style: chr22-21340143-A-T.
Other names: short protein forms N93Y.
Identifiers: ClinVar variation 3541685 (VCV003541685.1).

ClinVar aggregate classification (germline): Uncertain significance (1 of 4 stars; one submission).

Conditions:
Hereditary cancer-predisposing syndrome. Also called: Hereditary Cancer Syndrome; Hereditary neoplastic syndrome; Tumor predisposition; Neoplastic Syndromes, Hereditary. Identifiers: Orphanet 140162, MedGen C0027672, MeSH D009386, MONDO:0015356.
Cardiovascular phenotype. Identifiers: MedGen CN230736.

Submission:

Ambry Genetics
Classification: Uncertain significance for Cardiovascular phenotype; Hereditary cancer-predisposing syndrome. Last evaluated: 2024-10-28. Review status: criteria provided, single submitter. Criteria: Ambry Variant Classification Scheme 2023. Collection method: clinical testing. Allele origin: germline.
Comment: The p.N93Y variant (also known as c.277A>T), located in coding exon 3 of the LZTR1 gene, results from an A to T substitution at nucleotide position 277. The asparagine at codon 93 is replaced by tyrosine, an amino acid with dissimilar properties. This amino acid position is conserved. In addition, this alteration is predicted to be deleterious by in silico analysis. Based on the available evidence, the clinical significance of this variant remains unclear.